The following is an entry in ClinVar:

NM_001009944.3(PKD1):c.12188_12189del (p.Leu4063fs)

Gene: PKD1 (polycystin 1, transient receptor potential channel interacting; minus strand). Cytogenetic location: 16p13.3.
Variant type: Deletion.
Coding change: c.12188_12189del on transcript NM_001009944.3 (MANE Select); coding-DNA positions 12188 to 12189, 2 bases deleted (TG; older notation c.12188_12189delTG).
Protein change: p.Leu4063fs; shifts the reading frame from leucine 4063.
Molecular consequence: frameshift variant.
Genome position (GRCh38, 1-based): chr16:2,090,540-2,090,541, CA deleted on the plus strand (TG on the coding strand, the reverse complement: PKD1 is on the minus strand). VCF-style (leftmost placement, unchanged base first): chr16-2090539-CCA-C. GRCh37 (hg19) VCF-style: chr16-2140540-CCA-C.
Other names: c.12185_12186del, p.Leu4062fs (NM_000296.4); short protein forms L4062fs, L4063fs.
Identifiers: ClinVar variation 4075751 (VCV004075751.1).
Genomic context (GRCh38, chr16:2,090,539, plus strand): 5'-GTGACAGGTGCCAGGACTCGGCAGGACACAGGGTAGAGAGCCCAGTCCCAGGGCACAGCA[CCA>C]ACAGGGCCTGGGCCACGCTCCAGAGGGAGTCCACACAGGAAGACACGAGCTGCGGGGAAG-3'

ClinVar aggregate classification (germline): Pathogenic (0 of 4 stars; one submission).

Conditions:
Polycystic kidney disease, adult type (PKD1). Also called: POLYCYSTIC KIDNEY DISEASE, ADULT, TYPE I; Polycystic Kidney Disease 1, Autosomal Dominant; Polycystic kidney disease 1; Polycystic kidney disease 1, severe; POLYCYSTIC KIDNEY DISEASE 1 WITH OR WITHOUT POLYCYSTIC LIVER DISEASE; Polycystic Kidney, Autosomal Dominant. Identifiers: MedGen C3149841, MONDO:0008263, OMIM 173900.

Submission:

Department of Reproductive Genetics, International Peace Maternity and Child Health Hospital, Shanghai Jiao Tong University School of Medicine
Classification: Pathogenic for Polycystic kidney disease 1. Last evaluated: 2025-05-01. Review status: no assertion criteria provided. Collection method: clinical testing. Allele origin: inherited. Affected: yes.
Comment: The NM_001009944.3(PKD1):c.12188_12189delTG(p.Leu4063CysfsTer93) variant causes a frameshift change involving the alteration of a non-conserved nucleotide. The variant was absent in GnomAD database. The mutation-related diseases are highly consistent with the patient's phenotype or family history.